The following is an entry in ClinVar:

ClinVar aggregate classification (germline): Uncertain significance (1 of 4 stars; one submission).

Allele frequency attached by ClinVar (database versions not stated): gnomAD 0.00001 and 0.00002; ExAC 0.00002; gnomAD exomes 0.00002; TOPMed 0.00002; 1000 Genomes Project 0.00020; 1000 Genomes Project 30x 0.00031.
gnomAD v4.1: 30 of 1,613,478 alleles (0.0019%); highest among the groups gnomAD compares: South Asian, 0.0099%; no homozygotes.

Submission:

Labcorp Genetics (formerly Invitae), Labcorp
Classification: Uncertain significance. Last evaluated: 2023-07-17. Review status: criteria provided, single submitter. Criteria: Invitae Variant Classification Sherloc (09022015). Collection method: clinical testing. Allele origin: germline.
Comment: This sequence change replaces glycine, which is neutral and non-polar, with arginine, which is basic and polar, at codon 1346 of the DISP1 protein (p.Gly1346Arg). In summary, the available evidence is currently insufficient to determine the role of this variant in disease. Therefore, it has been classified as a Variant of Uncertain Significance. Algorithms developed to predict the effect of missense changes on protein structure and function output the following: SIFT: "Not Available"; PolyPhen-2: "Benign"; Align-GVGD: "Not Available". The arginine amino acid residue is found in multiple mammalian species, which suggests that this missense change does not adversely affect protein function. ClinVar contains an entry for this variant (Variation ID: 1419436). This variant has not been reported in the literature in individuals affected with DISP1-related conditions. This variant is present in population databases (rs201945216, gnomAD 0.01%).

NM_001377229.1(DISP1):c.4036G>A (p.Gly1346Arg)

Gene: DISP1 (dispatched RND transporter family member 1; plus strand). Cytogenetic location: 1q41.
Variant type: single nucleotide variant.
Coding change: c.4036G>A on transcript NM_001377229.1 (MANE Select); coding-DNA position 4036, G replaced by A.
Protein change: p.Gly1346Arg; replaces glycine 1346 with arginine.
Molecular consequence: missense variant.
Genome position (GRCh38, 1-based): chr1:223,005,433, G>A. VCF-style: chr1-223005433-G-A. GRCh37 (hg19) VCF-style: chr1-223178775-G-A.
Other names: c.3307G>A, p.Gly1103Arg (NM_001350630.2); c.4036G>A, p.Gly1346Arg (NM_001369594.1, NM_001377228.1, NM_032890.5); short protein forms G1103R, G1346R.
Identifiers: ClinVar variation 1419436 (VCV001419436.8), dbSNP rs201945216, ClinGen allele CA1409521.